The following is an entry in ClinVar:

NM_206933.4(USH2A):c.12854G>T (p.Trp4285Leu)

Gene: USH2A (usherin; minus strand). Cytogenetic location: 1q41.
Variant type: single nucleotide variant.
Coding change: c.12854G>T on transcript NM_206933.4 (MANE Select); coding-DNA position 12854, G replaced by T.
Protein change: p.Trp4285Leu; replaces tryptophan 4285 with leucine.
Molecular consequence: missense variant.
Genome position (GRCh38, 1-based): chr1:215,675,057, C>A on the plus strand (G>T on the coding strand, the complement: USH2A is on the minus strand). VCF-style: chr1-215675057-C-A. GRCh37 (hg19) VCF-style: chr1-215848399-C-A.
Other names: short protein forms W4285L.
Identifiers: ClinVar variation 1716367 (VCV001716367.5), dbSNP rs766491471, ClinGen allele CA344848692.

ClinVar aggregate classification (germline): Uncertain significance (1 of 4 stars; one submission).

Submission:

Labcorp Genetics (formerly Invitae), Labcorp
Classification: Uncertain significance. Last evaluated: 2022-08-13. Review status: criteria provided, single submitter. Criteria: Invitae Variant Classification Sherloc (09022015). Collection method: clinical testing. Allele origin: germline.
Comment: In summary, the available evidence is currently insufficient to determine the role of this variant in disease. Therefore, it has been classified as a Variant of Uncertain Significance. This variant has not been reported in the literature in individuals affected with USH2A-related conditions. This sequence change replaces tryptophan, which is neutral and slightly polar, with leucine, which is neutral and non-polar, at codon 4285 of the USH2A protein (p.Trp4285Leu). This variant is not present in population databases (gnomAD no frequency). Algorithms developed to predict the effect of missense changes on protein structure and function (SIFT, PolyPhen-2, Align-GVGD) all suggest that this variant is likely to be disruptive.